The following is an entry in ClinVar:

ClinVar aggregate classification (germline): Conflicting classifications of pathogenicity. Review status: criteria provided, conflicting classifications (1 of 4 stars). 4 submissions from 4 submitters: Uncertain significance (1); Likely benign (2). 1 of the submissions does not count toward it. Last evaluated 2025-09-21.

Conditions:
Inborn genetic diseases. Identifiers: MedGen C0950123, MeSH D030342.
AKT2-related disorder. Also called: AKT2-related condition.
Type 2 diabetes mellitus. Also called: Type II diabetes mellitus. Identifiers: MedGen C0011860, MeSH D003924, MONDO:0005148, OMIM 125853, HP:0005978.
Hypoinsulinemic hypoglycemia and body hemihypertrophy. Also called: Hypoinsulinemic hypoglycemia and hemihypertrophy. Identifiers: Orphanet 293964, MedGen C3278384, MONDO:0009416, OMIM 240900.

Allele frequency attached by ClinVar (database versions not stated): 1000 Genomes Project 30x 0.00016; 1000 Genomes Project 0.00020; ExAC 0.00026; gnomAD exomes 0.00029 and 0.00041; gnomAD 0.00034 and 0.00036; TOPMed 0.00036; ESP Exome Variant Server 0.00100.
gnomAD v4.1: 649 of 1,613,694 alleles (0.04%); highest among the groups gnomAD compares: Non-Finnish European, 0.052%; no homozygotes.

Submissions (4):

Labcorp Genetics (formerly Invitae), Labcorp
Classification: Uncertain significance for Hypoinsulinemic hypoglycemia and body hemihypertrophy; Type 2 diabetes mellitus. Last evaluated: 2025-09-21. Review status: criteria provided, single submitter. Criteria: Invitae Variant Classification Sherloc (09022015). Collection method: clinical testing. Allele origin: germline.
Comment: This sequence change replaces glycine, which is neutral and non-polar, with alanine, which is neutral and non-polar, at codon 116 of the AKT2 protein (p.Gly116Ala). This variant is present in population databases (rs141209878, gnomAD 0.05%), and has an allele count higher than expected for a pathogenic variant. This variant has not been reported in the literature in individuals affected with AKT2-related conditions. ClinVar contains an entry for this variant (Variation ID: 969146). An algorithm developed to predict the effect of missense changes on protein structure and function (PolyPhen-2) suggests that this variant is likely to be tolerated. In summary, the available evidence is currently insufficient to determine the role of this variant in disease. Therefore, it has been classified as a Variant of Uncertain Significance.

Ambry Genetics
Classification: Likely benign for Inborn genetic diseases. Last evaluated: 2022-03-11. Review status: criteria provided, single submitter. Criteria: Ambry Variant Classification Scheme 2023. Collection method: clinical testing. Allele origin: germline.

Genetics and Molecular Pathology, SA Pathology
Classification: Likely benign for Hypoinsulinemic hypoglycemia and body hemihypertrophy. Last evaluated: 2020-06-05. Review status: criteria provided, single submitter. Criteria: ACMG Guidelines, 2015. Collection method: clinical testing. Allele origin: germline. Inheritance: Autosomal dominant inheritance. Affected: yes.

PreventionGenetics, part of Exact Sciences
Classification: Uncertain significance for AKT2-related condition. Last evaluated: 2024-08-29. Review status: no assertion criteria provided. Collection method: clinical testing. Allele origin: germline. Not counted in ClinVar's aggregate classification.
Comment: The AKT2 c.347G>C variant is predicted to result in the amino acid substitution p.Gly116Ala. To our knowledge, this variant has not been reported in the literature. This variant is reported in 0.054% of alleles in individuals of European (Non-Finnish) descent in gnomAD. Although we suspect that this variant may be benign, at this time, the clinical significance of this variant is uncertain due to the absence of conclusive functional and genetic evidence.

NM_001626.6(AKT2):c.347G>C (p.Gly116Ala)

Gene: AKT2 (AKT serine/threonine kinase 2; minus strand). Cytogenetic location: 19q13.2.
Variant type: single nucleotide variant.
Coding change: c.347G>C on transcript NM_001626.6 (MANE Select); coding-DNA position 347, G replaced by C.
Protein change: p.Gly116Ala; replaces glycine 116 with alanine.
Molecular consequence: missense variant.
Genome position (GRCh38, 1-based): chr19:40,242,628, C>G on the plus strand (G>C on the coding strand, the complement: AKT2 is on the minus strand). VCF-style: chr19-40242628-C-G. GRCh37 (hg19) VCF-style: chr19-40748535-C-G.
Other names: c.347G>C (NM_001626.4); c.161G>C, p.Gly54Ala (NM_001243027.3, NM_001243028.3); c.347G>C, p.Gly116Ala (NM_001330511.1); short protein forms G54A, G116A.
Identifiers: ClinVar variation 969146 (VCV000969146.13), dbSNP rs141209878, ClinGen allele CA9441909.
Genomic context (GRCh38, chr19:40,242,628, plus strand): 5'-ATCTCCTCAGTCGTGGAGGAGTCACTGGGGGAGCCACACTTGTAGTCCATGGGGTCCTCG[C>G]CTGGGGCCCGCTGCTTGAGGCTGTTGGCGACCATCTGGATGGCCCGCATCCACTCCTCCC-3'
Protein context (NP_001617.1, residues 106-126): VANSLKQRAP[Gly116Ala]EDPMDYKCGS